The following is an entry in ClinVar:

NM_015272.5(RPGRIP1L):c.1959del (p.Glu654fs)

Gene: RPGRIP1L (RPGRIP1 like; minus strand). Cytogenetic location: 16q12.2.
Variant type: Deletion.
Coding change: c.1959del on transcript NM_015272.5 (MANE Select); coding-DNA position 1959, one base deleted (C; older notation c.1959delC).
Protein change: p.Glu654fs; shifts the reading frame from glutamic acid 654.
Molecular consequence: frameshift variant.
Genome position (GRCh38, 1-based): chr16:53,652,728, G deleted on the plus strand (C on the coding strand, the reverse complement: RPGRIP1L is on the minus strand); the first of 3 consecutive G bases (chr16:53,652,728-53,652,730); deleting any one gives the same sequence. VCF-style (leftmost placement, unchanged base first): chr16-53652727-CG-C. GRCh37 (hg19) VCF-style: chr16-53686639-CG-C.
Other names: c.1959del, p.Glu654fs (NM_001127897.4, NM_001308334.3, NM_001330538.2); short protein forms E654fs.
Identifiers: ClinVar variation 1456256 (VCV001456256.7), dbSNP rs2151126163, ClinGen allele CA2573152390.

ClinVar aggregate classification (germline): Pathogenic/Likely pathogenic. Review status: criteria provided, multiple submitters, no conflicts (2 of 4 stars). 2 submissions from 2 submitters: Pathogenic (1); Likely pathogenic (1). Last evaluated 2024-04-23.

Conditions:
Meckel syndrome, type 5 (MKS5). Identifiers: Orphanet 564, MedGen C1969052, MONDO:0012695, OMIM 611561.
Joubert syndrome 7 (JBTS7). Identifiers: Orphanet 220497, MedGen C1969053, MONDO:0012694, OMIM 611560.
COACH syndrome 3. Identifiers: MedGen C5436841, MONDO:0030862, OMIM 619113.
Meckel-Gruber syndrome. Also called: DYSENCEPHALIA SPLANCHNOCYSTICA; GRUBER SYNDROME; Dysencephalia splachnocystica. Identifiers: Orphanet 564, MedGen C0265215, MONDO:0018921.
Joubert syndrome. Also called: CEREBELLOPARENCHYMAL DISORDER IV; JOUBERT-BOLTSHAUSER SYNDROME; Familial aplasia of the vermis. Identifiers: Orphanet 475, MedGen C5979921, MONDO:0018772.

Submissions (2):

Fulgent Genetics
Classification: Likely pathogenic for Joubert syndrome 7; Meckel syndrome, type 5; COACH syndrome 3. Last evaluated: 2024-04-23. Review status: criteria provided, single submitter. Criteria: ACMG Guidelines, 2015. Collection method: clinical testing. Allele origin: germline.

Labcorp Genetics (formerly Invitae), Labcorp
Classification: Pathogenic for Joubert syndrome; Meckel-Gruber syndrome. Last evaluated: 2020-12-20. Review status: criteria provided, single submitter. Criteria: Invitae Variant Classification Sherloc (09022015). Collection method: clinical testing. Allele origin: germline.
Comment: For these reasons, this variant has been classified as Pathogenic. This variant has not been reported in the literature in individuals with RPGRIP1L-related conditions. This variant is not present in population databases (ExAC no frequency). This sequence change creates a premature translational stop signal (p.Glu654Asnfs*45) in the RPGRIP1L gene. It is expected to result in an absent or disrupted protein product. Loss-of-function variants in RPGRIP1L are known to be pathogenic (PMID: 17558409).

Literature cited by the submitters: PubMed 17558409 (cited by Labcorp Genetics (formerly Invitae), Labcorp).